The following is an entry in ClinVar:

ClinVar aggregate classification (germline): Uncertain significance (1 of 4 stars; one submission).

Conditions:
Cardiovascular phenotype. Identifiers: MedGen CN230736.
Hereditary cancer-predisposing syndrome. Also called: Tumor predisposition; Neoplastic Syndromes, Hereditary; Hereditary neoplastic syndrome; Hereditary Cancer Syndrome. Identifiers: Orphanet 140162, MedGen C0027672, MeSH D009386, MONDO:0015356.

Submission:

Ambry Genetics
Classification: Uncertain significance for Cardiovascular phenotype; Hereditary cancer-predisposing syndrome. Last evaluated: 2025-08-25. Review status: criteria provided, single submitter. Criteria: Ambry Variant Classification Scheme 2023. Collection method: clinical testing. Allele origin: germline.
Comment: The p.S606C variant (also known as c.1817C>G), located in coding exon 16 of the LZTR1 gene, results from a C to G substitution at nucleotide position 1817. The serine at codon 606 is replaced by cysteine, an amino acid with dissimilar properties. This amino acid position is conserved. In addition, the in silico prediction for this alteration is inconclusive. Based on the available evidence, the clinical significance of this variant remains unclear.

NM_006767.4(LZTR1):c.1817C>G (p.Ser606Cys)

Gene: LZTR1 (leucine zipper like post translational regulator 1; plus strand). Cytogenetic location: 22q11.21.
Variant type: single nucleotide variant.
Coding change: c.1817C>G on transcript NM_006767.4 (MANE Select); coding-DNA position 1817, C replaced by G.
Protein change: p.Ser606Cys; replaces serine 606 with cysteine.
Molecular consequence: missense variant.
Genome position (GRCh38, 1-based): chr22:20,994,901, C>G. VCF-style: chr22-20994901-C-G. GRCh37 (hg19) VCF-style: chr22-21349190-C-G.
Other names: short protein forms S606C.
Identifiers: ClinVar variation 4101940 (VCV004101940.1).